The following is an entry in ClinVar:

ClinVar aggregate classification (germline): Uncertain significance (1 of 4 stars; one submission).

Submission:

Ambry Genetics
Classification: Uncertain significance. Last evaluated: 2024-02-24. Review status: criteria provided, single submitter. Criteria: Ambry Variant Classification Scheme 2023. Collection method: clinical testing. Allele origin: germline.
Comment: The p.E3747G variant (also known as c.11240A>G), located in coding exon 79 of the PRKDC gene, results from an A to G substitution at nucleotide position 11240. The glutamic acid at codon 3747 is replaced by glycine, an amino acid with similar properties. This amino acid position is conserved. Based on the available evidence, the clinical significance of this alteration remains unclear.

NM_006904.7(PRKDC):c.11240A>G (p.Glu3747Gly)

Gene: PRKDC (protein kinase, DNA-activated, catalytic subunit; minus strand). Cytogenetic location: 8q11.21.
Variant type: single nucleotide variant.
Coding change: c.11240A>G on transcript NM_006904.7 (MANE Select); coding-DNA position 11240, A replaced by G.
Protein change: p.Glu3747Gly; replaces glutamic acid 3747 with glycine.
Molecular consequence: missense variant.
Genome position (GRCh38, 1-based): chr8:47,782,534, T>C on the plus strand (A>G on the coding strand, the complement: PRKDC is on the minus strand). VCF-style: chr8-47782534-T-C. GRCh37 (hg19) VCF-style: chr8-48695095-T-C.
Other names: c.11240A>G, p.Glu3747Gly (NM_001081640.2); short protein forms E3747G.
Identifiers: ClinVar variation 3225714 (VCV003225714.1), dbSNP rs2551860422, ClinGen allele CA371130095.